The following is an entry in ClinVar:

ClinVar aggregate classification (germline): Likely pathogenic. Review status: criteria provided, multiple submitters, no conflicts (2 of 4 stars). 2 submissions from 2 submitters: Likely pathogenic (2). Last evaluated 2026-04-13.

Conditions:
AGL-related disorder. Also called: AGL-related condition.
Glycogen storage disease type III (GSD3). Also called: Cori disease; FORBES DISEASE. Identifiers: Orphanet 366, MedGen C0017922, MONDO:0009291, OMIM 232400.

Submissions (2):

PreventionGenetics, part of Exact Sciences
Classification: Likely pathogenic for AGL-related condition. Last evaluated: 2026-04-13. Review status: criteria provided, single submitter. Criteria: ACMG Guidelines, 2015. Collection method: clinical testing. Allele origin: germline.
Comment: The AGL c.1998delT variant is predicted to result in a frameshift and premature protein termination (p.Gln667Argfs*63). To our knowledge this variant has not been reported in the literature or in a large population database (gnomAD), indicating this variant is rare. Frameshift variants in AGL are expected to be pathogenic. This variant is interpreted as likely pathogenic.

Baylor Genetics
Classification: Likely pathogenic for Glycogen storage disease type III. Last evaluated: 2023-08-02. Review status: criteria provided, single submitter. Criteria: ACMG Guidelines, 2015. Collection method: clinical testing. Allele origin: unknown.

NM_000642.3(AGL):c.1998del (p.Gln667fs)

Gene: AGL (amylo-alpha-1,6-glucosidase and 4-alpha-glucanotransferase; plus strand). Cytogenetic location: 1p21.2.
Variant type: Deletion.
Coding change: c.1998del on transcript NM_000642.3 (MANE Select); coding-DNA position 1998, one base deleted (T; older notation c.1998delT).
Protein change: p.Gln667fs; shifts the reading frame from glutamine 667.
Molecular consequence: frameshift variant.
Genome position (GRCh38, 1-based): chr1:99,881,174, T deleted. VCF-style (leftmost placement, unchanged base first): chr1-99881173-AT-A. GRCh37 (hg19) VCF-style: chr1-100346729-AT-A.
Other names: c.1998delT, p.Gln667Argfs (NM_000028.3, NM_000643.3, NM_000644.3 and 2 more transcripts); c.1950delT, p.Gln651Argfs (NM_000646.3); c.1797delT, p.Gln600Argfs (NM_001425327.1); c.1794delT, p.Gln599Argfs (NM_001425328.1, NM_001425329.1); c.1620delT, p.Gln541Argfs (NM_001425332.1); c.1998delT (NM_000642.2); c.1998del (NM_000642.2); short protein forms Q651fs, Q667fs.
Identifiers: ClinVar variation 2680982 (VCV002680982.2), dbSNP rs2524649076, ClinGen allele CA2695198087.